The following is an entry in ClinVar:

ClinVar aggregate classification (germline): Uncertain significance (1 of 4 stars; one submission).

Allele frequency attached by ClinVar (database versions not stated): gnomAD exomes below 0.00001.
gnomAD v4.1: 6 of 1,613,900 alleles (0.00037%); highest among the groups gnomAD compares: Non-Finnish European, 0.00051%; no homozygotes.

Submission:

Labcorp Genetics (formerly Invitae), Labcorp
Classification: Uncertain significance. Last evaluated: 2022-01-14. Review status: criteria provided, single submitter. Criteria: Invitae Variant Classification Sherloc (09022015). Collection method: clinical testing. Allele origin: germline.
Comment: This sequence change replaces lysine, which is basic and polar, with glutamic acid, which is acidic and polar, at codon 1494 of the COL7A1 protein (p.Lys1494Glu). This variant is not present in population databases (gnomAD no frequency). This variant has not been reported in the literature in individuals affected with COL7A1-related conditions. Algorithms developed to predict the effect of missense changes on protein structure and function are either unavailable or do not agree on the potential impact of this missense change (SIFT: "Deleterious"; PolyPhen-2: "Not Available"; Align-GVGD: "Class C0"). In summary, the available evidence is currently insufficient to determine the role of this variant in disease. Therefore, it has been classified as a Variant of Uncertain Significance.

NM_000094.4(COL7A1):c.4480A>G (p.Lys1494Glu)

Gene: COL7A1 (collagen type VII alpha 1 chain; minus strand). Cytogenetic location: 3p21.31.
Variant type: single nucleotide variant.
Coding change: c.4480A>G on transcript NM_000094.4 (MANE Select); coding-DNA position 4480, A replaced by G.
Protein change: p.Lys1494Glu; replaces lysine 1494 with glutamic acid.
Molecular consequence: missense variant.
Genome position (GRCh38, 1-based): chr3:48,583,129, T>C on the plus strand (A>G on the coding strand, the complement: COL7A1 is on the minus strand). VCF-style: chr3-48583129-T-C. GRCh37 (hg19) VCF-style: chr3-48620562-T-C.
Other names: short protein forms K1494E.
Identifiers: ClinVar variation 1525513 (VCV001525513.5), dbSNP rs2107723957, ClinGen allele CA352691034.